The following is an entry in ClinVar:

NM_020247.5(COQ8A):c.588+4C>T

Gene: COQ8A (coenzyme Q8A; plus strand). Cytogenetic location: 1q42.13.
Variant type: single nucleotide variant.
Coding change: c.588+4C>T on transcript NM_020247.5 (MANE Select); 4 bases into the intron after coding-DNA position 588, C replaced by T.
Molecular consequence: intron variant.
Genome position (GRCh38, 1-based): chr1:226,965,414, C>T. VCF-style: chr1-226965414-C-T. GRCh37 (hg19) VCF-style: chr1-227153115-C-T.
Identifiers: ClinVar variation 377443 (VCV000377443.32), dbSNP rs368446029, ClinGen allele CA1425044.

ClinVar aggregate classification (germline): Conflicting classifications of pathogenicity. Review status: criteria provided, conflicting classifications (1 of 4 stars). 3 submissions from 3 submitters: Uncertain significance (2); Likely benign (1). Last evaluated 2022-10-01.

Allele frequency attached by ClinVar (database versions not stated): TOPMed 0.00002; gnomAD 0.00006 and 0.00007; gnomAD exomes 0.00007; ESP Exome Variant Server 0.00008; ExAC 0.00016.
gnomAD v4.1: 137 of 1,606,828 alleles (0.0085%); highest among the groups gnomAD compares: Non-Finnish European, 0.0094%; no homozygotes.

Submissions (3):

CeGaT Center for Human Genetics Tuebingen
Classification: Uncertain significance. Last evaluated: 2022-10-01. Review status: criteria provided, single submitter. Criteria: CeGaT Center For Human Genetics Tuebingen Variant Classification Criteria Version 2. Collection method: clinical testing. Allele origin: germline. Affected: yes. Observed: 1 variant allele.
Comment: COQ8A: PM2, BP4

Labcorp Genetics (formerly Invitae), Labcorp
Classification: Uncertain significance. Last evaluated: 2022-06-30. Review status: criteria provided, single submitter. Criteria: Invitae Variant Classification Sherloc (09022015). Collection method: clinical testing. Allele origin: germline.
Comment: This sequence change falls in intron 3 of the COQ8A gene. It does not directly change the encoded amino acid sequence of the COQ8A protein. It affects a nucleotide within the consensus splice site. This variant is present in population databases (rs368446029, gnomAD 0.01%). This variant has not been reported in the literature in individuals affected with COQ8A-related conditions. ClinVar contains an entry for this variant (Variation ID: 377443). Variants that disrupt the consensus splice site are a relatively common cause of aberrant splicing (PMID: 17576681, 9536098). Algorithms developed to predict the effect of sequence changes on RNA splicing suggest that this variant is not likely to affect RNA splicing. In summary, the available evidence is currently insufficient to determine the role of this variant in disease. Therefore, it has been classified as a Variant of Uncertain Significance.

GeneDx
Classification: Likely benign. Last evaluated: 2016-09-19. Review status: criteria provided, single submitter. Criteria: GeneDx Variant Classification (06012015). Collection method: clinical testing. Allele origin: germline. Affected: yes.
Comment: This variant is considered likely benign or benign based on one or more of the following criteria: it is a conservative change, it occurs at a poorly conserved position in the protein, it is predicted to be benign by multiple in silico algorithms, and/or has population frequency not consistent with disease.

Literature cited by the submitters: PubMed 17576681 (cited by Labcorp Genetics (formerly Invitae), Labcorp); PubMed 9536098 (cited by Labcorp Genetics (formerly Invitae), Labcorp).